The following is an entry in ClinVar:

ClinVar aggregate classification (germline): Uncertain significance. Review status: criteria provided, multiple submitters, no conflicts (2 of 4 stars). 2 submissions from 2 submitters: Uncertain significance (2). Last evaluated 2025-08-29.

Conditions:
Inborn genetic diseases. Identifiers: MedGen C0950123, MeSH D030342.

gnomAD v4.1: 18 of 1,612,754 alleles (0.0011%); highest among the groups gnomAD compares: Admixed American, 0.01%; no homozygotes.

Submissions (2):

Labcorp Genetics (formerly Invitae), Labcorp
Classification: Uncertain significance. Last evaluated: 2025-08-29. Review status: criteria provided, single submitter. Criteria: Invitae Variant Classification Sherloc (09022015). Collection method: clinical testing. Allele origin: germline.
Comment: This sequence change replaces asparagine, which is neutral and polar, with histidine, which is basic and polar, at codon 86 of the DUOX2 protein (p.Asn86His). This variant is present in population databases (rs542047276, gnomAD 0.01%). This variant has not been reported in the literature in individuals affected with DUOX2-related conditions. ClinVar contains an entry for this variant (Variation ID: 1915961). Invitae Evidence Modeling of protein sequence and biophysical properties (such as structural, functional, and spatial information, amino acid conservation, physicochemical variation, residue mobility, and thermodynamic stability) indicates that this missense variant is not expected to disrupt DUOX2 protein function with a negative predictive value of 80%. In summary, the available evidence is currently insufficient to determine the role of this variant in disease. Therefore, it has been classified as a Variant of Uncertain Significance.

Ambry Genetics
Classification: Uncertain significance for Inborn genetic diseases. Last evaluated: 2022-01-26. Review status: criteria provided, single submitter. Criteria: Ambry Variant Classification Scheme 2023. Collection method: clinical testing. Allele origin: germline.

NM_001363711.2(DUOX2):c.256A>C (p.Asn86His)

Gene: DUOX2 (dual oxidase 2; minus strand). Cytogenetic location: 15q21.1.
Variant type: single nucleotide variant.
Coding change: c.256A>C on transcript NM_001363711.2 (MANE Select); coding-DNA position 256, A replaced by C.
Protein change: p.Asn86His; replaces asparagine 86 with histidine.
Molecular consequence: missense variant.
Genome position (GRCh38, 1-based): chr15:45,112,623, T>G on the plus strand (A>C on the coding strand, the complement: DUOX2 is on the minus strand). VCF-style: chr15-45112623-T-G. GRCh37 (hg19) VCF-style: chr15-45404821-T-G.
Other names: c.256A>C, p.Asn86His (NM_014080.5); short protein forms N86H.
Identifiers: ClinVar variation 1915961 (VCV001915961.6), dbSNP rs542047276, ClinGen allele CA7539056.